The following is an entry in ClinVar:

ClinVar aggregate classification (germline): Uncertain significance (1 of 4 stars; one submission).

Submission:

Ambry Genetics
Classification: Uncertain significance. Last evaluated: 2024-04-27. Review status: criteria provided, single submitter. Criteria: Ambry Variant Classification Scheme 2023. Collection method: clinical testing. Allele origin: germline.
Comment: The p.K3260E variant (also known as c.9778A>G), located in coding exon 70 of the PRKDC gene, results from an A to G substitution at nucleotide position 9778. The lysine at codon 3260 is replaced by glutamic acid, an amino acid with similar properties. This amino acid position is conserved. In addition, the in silico prediction for this alteration is inconclusive. Based on the available evidence, the clinical significance of this variant remains unclear.

NM_006904.7(PRKDC):c.9778A>G (p.Lys3260Glu)

Gene: PRKDC (protein kinase, DNA-activated, catalytic subunit; minus strand). Cytogenetic location: 8q11.21.
Variant type: single nucleotide variant.
Coding change: c.9778A>G on transcript NM_006904.7 (MANE Select); coding-DNA position 9778, A replaced by G.
Protein change: p.Lys3260Glu; replaces lysine 3260 with glutamic acid.
Molecular consequence: missense variant.
Genome position (GRCh38, 1-based): chr8:47,803,450, T>C on the plus strand (A>G on the coding strand, the complement: PRKDC is on the minus strand). VCF-style: chr8-47803450-T-C. GRCh37 (hg19) VCF-style: chr8-48716011-T-C.
Other names: c.9778A>G, p.Lys3260Glu (NM_001081640.2); short protein forms K3260E.
Identifiers: ClinVar variation 3310044 (VCV003310044.1).